The following is an entry in ClinVar:

NM_004519.4(KCNQ3):c.1565T>A (p.Val522Asp)

Gene: KCNQ3 (potassium voltage-gated channel subfamily Q member 3; minus strand). Cytogenetic location: 8q24.22.
Variant type: single nucleotide variant.
Coding change: c.1565T>A on transcript NM_004519.4 (MANE Select); coding-DNA position 1565, T replaced by A.
Protein change: p.Val522Asp; replaces valine 522 with aspartic acid.
Molecular consequence: missense variant.
Genome position (GRCh38, 1-based): chr8:132,140,079, A>T on the plus strand (T>A on the coding strand, the complement: KCNQ3 is on the minus strand). VCF-style: chr8-132140079-A-T. GRCh37 (hg19) VCF-style: chr8-133152326-A-T.
Other names: c.1205T>A, p.Val402Asp (NM_001204824.2); short protein forms V402D, V522D.
Identifiers: ClinVar variation 3345766 (VCV003345766.1).

ClinVar aggregate classification (germline): Uncertain significance (0 of 4 stars; one submission).

Conditions:
KCNQ3-related disorder. Also called: KCNQ3-Related Disorders; KCNQ3-related condition. Identifiers: MedGen CN381530.

Submission:

PreventionGenetics, part of Exact Sciences
Classification: Uncertain significance for KCNQ3-related condition. Last evaluated: 2024-05-21. Review status: no assertion criteria provided. Collection method: clinical testing. Allele origin: germline.
Comment: The KCNQ3 c.1565T>A variant is predicted to result in the amino acid substitution p.Val522Asp. To our knowledge, this variant has not been reported in the literature or in a large population database, indicating this variant is rare. At this time, the clinical significance of this variant is uncertain due to the absence of conclusive functional and genetic evidence.